The following is an entry in ClinVar:

NM_006231.4(POLE):c.1219T>G (p.Cys407Gly)

Gene: POLE (DNA polymerase epsilon, catalytic subunit; minus strand). Cytogenetic location: 12q24.33.
Variant type: single nucleotide variant.
Coding change: c.1219T>G on transcript NM_006231.4 (MANE Select); coding-DNA position 1219, T replaced by G.
Protein change: p.Cys407Gly; replaces cysteine 407 with glycine.
Molecular consequence: missense variant.
Genome position (GRCh38, 1-based): chr12:132,675,405, A>C on the plus strand (T>G on the coding strand, the complement: POLE is on the minus strand). VCF-style: chr12-132675405-A-C. GRCh37 (hg19) VCF-style: chr12-133251991-A-C.
Other names: short protein forms C407G.
Identifiers: ClinVar variation 1752543 (VCV001752543.2), dbSNP rs2542157566, ClinGen allele CA387360675.

ClinVar aggregate classification (germline): Uncertain significance (1 of 4 stars; one submission).

Conditions:
Hereditary cancer-predisposing syndrome. Also called: Hereditary Cancer Syndrome; Hereditary neoplastic syndrome; Neoplastic Syndromes, Hereditary; Tumor predisposition. Identifiers: Orphanet 140162, MedGen C0027672, MeSH D009386, MONDO:0015356.

Submission:

Ambry Genetics
Classification: Uncertain significance for Hereditary cancer-predisposing syndrome. Last evaluated: 2022-07-19. Review status: criteria provided, single submitter. Criteria: Ambry Variant Classification Scheme 2023. Collection method: clinical testing. Allele origin: germline.
Comment: The p.C407G variant (also known as c.1219T>G), located in coding exon 12 of the POLE gene, results from a T to G substitution at nucleotide position 1219. The cysteine at codon 407 is replaced by glycine, an amino acid with highly dissimilar properties. This amino acid position is conserved. In addition, the in silico prediction for this alteration is inconclusive. Since supporting evidence is limited at this time, the clinical significance of this alteration remains unclear.